The following is an entry in ClinVar:

ClinVar aggregate classification (germline): Uncertain significance (1 of 4 stars; one submission).

Conditions:
Hereditary spastic paraplegia 11. Also called: SPASTIC PARAPLEGIA, AUTOSOMAL RECESSIVE, COMPLICATED, WITH THIN CORPUS CALLOSUM; SPASTIC PARAPLEGIA, AUTOSOMAL RECESSIVE, WITH MENTAL IMPAIRMENT AND THIN CORPUS CALLOSUM; Nakamura Osame syndrome; Autosomal recessive hereditary spastic paraplegia, mental impairment, and thin corpus callosum; Spastic paraplegia, mental retardation and thin corpus callosum; Spastic Paraplegia 11. Identifiers: Orphanet 2822, MedGen C1858479, MONDO:0011445, OMIM 604360.

Submission:

Labcorp Genetics (formerly Invitae), Labcorp
Classification: Uncertain significance for Hereditary spastic paraplegia 11. Last evaluated: 2021-12-02. Review status: criteria provided, single submitter. Criteria: Invitae Variant Classification Sherloc (09022015). Collection method: clinical testing. Allele origin: germline.
Comment: This variant, c.5386_5394dup, results in the insertion of 3 amino acid(s) of the SPG11 protein (p.Glu1796_Glu1798dup), but otherwise preserves the integrity of the reading frame. This variant is present in population databases (no rsID available, gnomAD 0.007%). This variant has not been reported in the literature in individuals affected with SPG11-related conditions. In summary, the available evidence is currently insufficient to determine the role of this variant in disease. Therefore, it has been classified as a Variant of Uncertain Significance.

NM_025137.4(SPG11):c.5386_5394dup (p.Glu1798_Lys1799insGluLeuGlu)

Gene: SPG11 (SPG11 vesicle trafficking associated, spatacsin; minus strand). Cytogenetic location: 15q21.1.
Variant type: Duplication.
Coding change: c.5386_5394dup on transcript NM_025137.4 (MANE Select); coding-DNA positions 5386 to 5394, 9 bases duplicated (GAGCTGGAG; older notation c.5386_5394dupGAGCTGGAG).
Protein change: p.Glu1798_Lys1799insGluLeuGlu.
Molecular consequence: inframe insertion. On other transcripts: inframe indel (1).
Genome position (GRCh38, 1-based): chr15:44,584,286-44,584,294, CTCCAGCTC duplicated on the plus strand (GAGCTGGAG on the coding strand, the reverse complement: SPG11 is on the minus strand); duplicating any 9 consecutive bases within chr15:44,584,286-44,584,302 gives the same sequence; the c. name uses the placement nearest the transcript's 3' end. VCF-style (leftmost placement, unchanged base first): chr15-44584285-T-TCTCCAGCTC. GRCh37 (hg19) VCF-style: chr15-44876483-T-TCTCCAGCTC.
Other names: c.5386_5394dup, p.Glu1798_Lys1799insGluLeuGlu (NM_001160227.2); c.5234_5242dup, p.Glu1750_Lys1751insGluLeuGlu (NM_001411132.1).
Identifiers: ClinVar variation 2195581 (VCV002195581.1), dbSNP rs765129142, ClinGen allele CA618005996.